The following is an entry in ClinVar:

NM_000091.5(COL4A3):c.2602G>A (p.Gly868Arg)

Genes: COL4A3 (collagen type IV alpha 3 chain; plus strand), MFF-DT (MFF divergent transcript; minus strand). Cytogenetic location: 2q36.3.
Variant type: single nucleotide variant.
Coding change: c.2602G>A on transcript NM_000091.5 (MANE Select); coding-DNA position 2602, G replaced by A.
Protein change: p.Gly868Arg; replaces glycine 868 with arginine.
Molecular consequence: missense variant.
Genome position (GRCh38, 1-based): chr2:227,282,478, G>A. VCF-style: chr2-227282478-G-A. GRCh37 (hg19) VCF-style: chr2-228147194-G-A.
Other names: p.(Gly868Arg); short protein forms G868R.
Identifiers: ClinVar variation 4853857 (VCV004853857.1).
Genomic context (GRCh38, chr2:227,282,478, plus strand): 5'-AGATCAGGATTTCCTGGAGAAACTGGATCACCAGGAATTCCAGGTCATCAAGGTGAAATG[G>A]GACCACTGGGTCAAAGAGGATATCCAGGAAATCCGGGAATTTTAGGGCCACCAGGTATCC-3'
Protein context (NP_000082.2, residues 858-878): PGIPGHQGEM[Gly868Arg]PLGQRGYPGN

ClinVar aggregate classification (germline): Likely pathogenic (1 of 4 stars; one submission).

Conditions:
Hematuria, benign familial, 2 (BFH2). Identifiers: MedGen C5830421, MONDO:0958186, OMIM 620320.

Submission:

Centre de Génétique Humaine, Institut de Pathologie Et de Génétique
Classification: Likely pathogenic for Hematuria, benign familial, 2. Last evaluated: 2026-03-12. Review status: criteria provided, single submitter. Criteria: ACMG Guidelines, 2015. Collection method: clinical testing. Allele origin: maternal, germline. Inheritance: Autosomal dominant inheritance. Affected: yes. Observed: 2 variant alleles, 2 heterozygotes. Clinical features observed: Microscopic hematuria (HP:0002907). Segregation with disease observed.
Comment: This missense variant involves a highly conserved glycine located in a ‘Gly-X-Y’ motif in collagenous region, which is characteristic of the pathogenic variants identified in the COL4A3 gene (PM1,PP2). This variant is rare: absent in gnomAD v4.1.0 database (PM2); In silico analysis supports that this missense variant has a deleterious effect (PP3). Another missense variant affecting the same residue described : c. 2603G>A, p.Gly868Glu, PMID: 34589218 and PMID: 37097554 (PM5).